The following is an entry in ClinVar:

NM_015662.3(IFT172):c.1732G>A (p.Glu578Lys)

Gene: IFT172 (intraflagellar transport 172; minus strand). Cytogenetic location: 2p23.3.
Variant type: single nucleotide variant.
Coding change: c.1732G>A on transcript NM_015662.3 (MANE Select); coding-DNA position 1732, G replaced by A.
Protein change: p.Glu578Lys; replaces glutamic acid 578 with lysine.
Molecular consequence: missense variant.
Genome position (GRCh38, 1-based): chr2:27,465,843, C>T on the plus strand (G>A on the coding strand, the complement: IFT172 is on the minus strand). VCF-style: chr2-27465843-C-T. GRCh37 (hg19) VCF-style: chr2-27688710-C-T.
Other names: c.1732G>A (NM_015662.2); c.1666G>A, p.Glu556Lys (NM_001410739.1); short protein forms E556K, E578K.
Identifiers: ClinVar variation 1971723 (VCV001971723.3), dbSNP rs1423106803, ClinGen allele CA346387338.
Genomic context (GRCh38, chr2:27,465,843, plus strand): 5'-CGATGAGGCCCTCATCCAATGTGTAGGCAACAGTAGTCACACCTTCCATCACCATCACCT[C>T]GGTCTTTCCCCCGCCCCGCTCCAGACCTATAACATCACCCTGTAAAAGTTTATCCCCCAA-3'
Protein context (NP_056477.1, residues 568-588): IGLERGGGKT[Glu578Lys]VMVMEGVTTV

ClinVar aggregate classification (germline): Uncertain significance. Review status: criteria provided, multiple submitters, no conflicts (2 of 4 stars). 2 submissions from 2 submitters: Uncertain significance (2). Last evaluated 2025-05-01.

Conditions:
IFT172-related disorder. Also called: IFT172-related condition; IFT172-related disorders.
Short-rib thoracic dysplasia 10 with or without polydactyly (SRTD10). Identifiers: Orphanet 474, MedGen C3810175, MONDO:0014284, OMIM 615630.
Retinitis pigmentosa 71 (RP71). Identifiers: Orphanet 791, MedGen C4225342, MONDO:0014618, OMIM 616394.

Allele frequency attached by ClinVar (database versions not stated): gnomAD exomes below 0.00001; gnomAD 0.00001; TOPMed 0.00001.
gnomAD v4.1: 8 of 1,613,944 alleles (0.0005%); highest among the groups gnomAD compares: East Asian, 0.0022%; no homozygotes.

Submissions (2):

PreventionGenetics, part of Exact Sciences
Classification: Uncertain significance for IFT172-related condition. Last evaluated: 2025-05-01. Review status: criteria provided, single submitter. Criteria: ACMG Guidelines, 2015. Collection method: clinical testing. Allele origin: germline.
Comment: The IFT172 c.1732G>A variant is predicted to result in the amino acid substitution p.Glu578Lys. To our knowledge, this variant has not been reported in the literature. This variant is reported in 0.00088% of alleles in individuals of European (Non-Finnish) descent in gnomAD. At this time, the clinical significance of this variant is uncertain due to the absence of conclusive functional and genetic evidence.

Labcorp Genetics (formerly Invitae), Labcorp
Classification: Uncertain significance for Retinitis pigmentosa 71; Short-rib thoracic dysplasia 10 with or without polydactyly. Last evaluated: 2022-05-17. Review status: criteria provided, single submitter. Criteria: Invitae Variant Classification Sherloc (09022015). Collection method: clinical testing. Allele origin: germline.
Comment: This sequence change replaces glutamic acid, which is acidic and polar, with lysine, which is basic and polar, at codon 578 of the IFT172 protein (p.Glu578Lys). This variant is present in population databases (no rsID available, gnomAD 0.0009%). This variant has not been reported in the literature in individuals affected with IFT172-related conditions. Algorithms developed to predict the effect of missense changes on protein structure and function are either unavailable or do not agree on the potential impact of this missense change (SIFT: "Tolerated"; PolyPhen-2: "Possibly Damaging"; Align-GVGD: "Class C0"). In summary, the available evidence is currently insufficient to determine the role of this variant in disease. Therefore, it has been classified as a Variant of Uncertain Significance.